The following is an entry in ClinVar:

ClinVar aggregate classification (germline): Pathogenic (1 of 4 stars; one submission).

Submission:

Labcorp Genetics (formerly Invitae), Labcorp
Classification: Pathogenic. Last evaluated: 2022-10-23. Review status: criteria provided, single submitter. Criteria: Invitae Variant Classification Sherloc (09022015). Collection method: clinical testing. Allele origin: germline.
Comment: For these reasons, this variant has been classified as Pathogenic. This premature translational stop signal has been observed in individual(s) with autosomal recessive MYO7A-related conditions (PMID: 21569298, 23770805). This variant is not present in population databases (gnomAD no frequency). This sequence change creates a premature translational stop signal (p.Tyr1302Thrfs*97) in the MYO7A gene. It is expected to result in an absent or disrupted protein product. Loss-of-function variants in MYO7A are known to be pathogenic (PMID: 8900236, 25404053).

Literature cited by the submitters: PubMed 21569298; PubMed 23770805; PubMed 8900236; PubMed 25404053.

NM_000260.4(MYO7A):c.3904del (p.Tyr1302fs)

Gene: MYO7A (myosin VIIA; plus strand). Cytogenetic location: 11q13.5.
Variant type: Deletion.
Coding change: c.3904del on transcript NM_000260.4 (MANE Select); coding-DNA position 3904, one base deleted (T; older notation c.3904delT).
Protein change: p.Tyr1302fs; shifts the reading frame from tyrosine 1302.
Molecular consequence: frameshift variant.
Genome position (GRCh38, 1-based): chr11:77,190,850, T deleted. VCF-style (leftmost placement, unchanged base first): chr11-77190849-CT-C. GRCh37 (hg19) VCF-style: chr11-76901894-CT-C.
Other names: c.3904del, p.Tyr1302fs (NM_001127180.2); c.3871del, p.Tyr1291fs (NM_001369365.1); short protein forms Y1291fs, Y1302fs.
Identifiers: ClinVar variation 2137206 (VCV002137206.4), dbSNP rs2497380934, ClinGen allele CA2580085018.
Genomic context (GRCh38, chr11:77,190,849, plus strand): 5'-GGAGCTCTGCAACGCGCTGGCCGACAAGATCTCTCTCAAGGACCGGTTCGGGTTCTCCCT[CT>C]ACATTGCCCTGTTTGACAAGGTATGGCCGCCCGGAAGCACCTCCTCCCGGAAGCACCTCC-3'